The following is an entry in ClinVar:

ClinVar aggregate classification (germline): Uncertain significance (1 of 4 stars; one submission).

Conditions:
Hereditary cancer-predisposing syndrome. Also called: Neoplastic Syndromes, Hereditary; Tumor predisposition; Hereditary Cancer Syndrome; Hereditary neoplastic syndrome. Identifiers: Orphanet 140162, MedGen C0027672, MeSH D009386, MONDO:0015356.

Submission:

Ambry Genetics
Classification: Uncertain significance for Hereditary cancer-predisposing syndrome. Last evaluated: 2026-01-29. Review status: criteria provided, single submitter. Criteria: Ambry Variant Classification Scheme 2023. Collection method: clinical testing. Allele origin: germline.
Comment: The p.F497V variant (also known as c.1489T>G), located in coding exon 10 of the FH gene, results from a T to G substitution at nucleotide position 1489. The phenylalanine at codon 497 is replaced by valine, an amino acid with highly similar properties. This amino acid position is highly conserved in available vertebrate species. In addition, this alteration is predicted to be deleterious by in silico analysis. Based on the available evidence, the clinical significance of this variant remains unclear.

NM_000143.4(FH):c.1489T>G (p.Phe497Val)

Gene: FH (fumarate hydratase; minus strand). Cytogenetic location: 1q43.
Variant type: single nucleotide variant.
Coding change: c.1489T>G on transcript NM_000143.4 (MANE Select); coding-DNA position 1489, T replaced by G.
Protein change: p.Phe497Val; replaces phenylalanine 497 with valine.
Molecular consequence: missense variant.
Genome position (GRCh38, 1-based): chr1:241,497,872, A>C on the plus strand (T>G on the coding strand, the complement: FH is on the minus strand). VCF-style: chr1-241497872-A-C. GRCh37 (hg19) VCF-style: chr1-241661172-A-C.
Other names: short protein forms F497V.
Identifiers: ClinVar variation 4825087 (VCV004825087.1).
Genomic context (GRCh38, chr1:241,497,872, plus strand): 5'-TATAAATTTATGTAAATCACTTTGGACCCAGCATGTCCTTAGGTTTTACCCATTCGTCAA[A>C]CTGCTCTGCTGTGAGATAGCCAAGTTCGATAGCAGTTTCCTTTAAGGTTGATCCATTTTT-3'
Protein context (NP_000134.2, residues 487-507): IELGYLTAEQ[Phe497Val]DEWVKPKDML